The following is an entry in ClinVar:

ClinVar aggregate classification (germline): Likely benign (1 of 4 stars; one submission).

gnomAD v4.1: 26 of 1,203,549 alleles (0.0022%); highest among the groups gnomAD compares: South Asian, 0.03%; no homozygotes.

Submission:

Women's Health and Genetics/Laboratory Corporation of America, LabCorp
Classification: Likely benign. Last evaluated: 2025-11-06. Review status: criteria provided, single submitter. Criteria: LabCorp Variant Classification Summary - May 2015. Collection method: clinical testing. Allele origin: germline.
Comment: Variant summary: MBTPS2 c.338A>C (p.Tyr113Ser) results in a non-conservative amino acid change in the encoded protein sequence. Algorithms developed to predict the effect of missense changes on protein structure and function are either unavailable or do not agree on the potential impact of this missense change. The variant allele was found at a frequency of 5e-05 in 181191 control chromosomes. The available data on variant occurrences in the general population are insufficient to allow any conclusion about variant significance. To our knowledge, no occurrence of c.338A>C in individuals affected with MBTPS2-related conditions and no experimental evidence demonstrating its impact on protein function have been reported. No submitters have cited clinical-significance assessments for this variant to ClinVar. Based on the evidence outlined above, the variant was classified as likely benign.

NM_015884.4(MBTPS2):c.338A>C (p.Tyr113Ser)

Gene: MBTPS2 (membrane bound transcription factor peptidase, site 2; plus strand). Cytogenetic location: Xp22.12.
Variant type: single nucleotide variant.
Coding change: c.338A>C on transcript NM_015884.4 (MANE Select); coding-DNA position 338, A replaced by C.
Protein change: p.Tyr113Ser; replaces tyrosine 113 with serine.
Molecular consequence: missense variant.
Genome position (GRCh38, 1-based): chrX:21,845,284, A>C. VCF-style: chrX-21845284-A-C. GRCh37 (hg19) VCF-style: chrX-21863402-A-C.
Other names: short protein forms Y113S.
Identifiers: ClinVar variation 4537024 (VCV004537024.1).
Genomic context (GRCh38, chrX:21,845,284, plus strand): 5'-TCCTTGGAAAAACGCTGATGCAGACTTTGGCACAAATGATGGCTGACTCTCCCTCTTCTT[A>C]TTCTTCCTCCTCTTCTTCCTCTTCCTCCTCTTCTTCCTCTTCCTCTTCTTCATCTTCTTC-3'
Protein context (NP_056968.1, residues 103-123): AQMMADSPSS[Tyr113Ser]SSSSSSSSSS